The following is an entry in ClinVar:

NM_003114.5(SPAG1):c.734A>G (p.Tyr245Cys)

Gene: SPAG1 (sperm associated antigen 1; plus strand). Cytogenetic location: 8q22.2.
Variant type: single nucleotide variant.
Coding change: c.734A>G on transcript NM_003114.5 (MANE Select); coding-DNA position 734, A replaced by G.
Protein change: p.Tyr245Cys; replaces tyrosine 245 with cysteine.
Molecular consequence: missense variant.
Genome position (GRCh38, 1-based): chr8:100,187,152, A>G. VCF-style: chr8-100187152-A-G. GRCh37 (hg19) VCF-style: chr8-101199380-A-G.
Other names: c.734A>G, p.Tyr245Cys (NM_001374321.1, NM_172218.3); short protein forms Y245C.
Identifiers: ClinVar variation 411001 (VCV000411001.7), dbSNP rs372197260, ClinGen allele CA4827349.

ClinVar aggregate classification (germline): Uncertain significance (1 of 4 stars; one submission).

Conditions:
Primary ciliary dyskinesia 28. Also called: CILIARY DYSKINESIA, PRIMARY, 28, WITH OR WITHOUT SITUS INVERSUS. Identifiers: Orphanet 244, MedGen C3809706, MONDO:0014216, OMIM 615505.

Allele frequency attached by ClinVar (database versions not stated): gnomAD 0.00001 and 0.00002; ExAC 0.00002; TOPMed 0.00002; gnomAD exomes 0.00003; ESP Exome Variant Server 0.00008.
gnomAD v4.1: 48 of 1,612,976 alleles (0.003%); highest among the groups gnomAD compares: South Asian, 0.0066%; 1 homozygote.

Submission:

Labcorp Genetics (formerly Invitae), Labcorp
Classification: Uncertain significance for Primary ciliary dyskinesia 28. Last evaluated: 2016-09-09. Review status: criteria provided, single submitter. Criteria: Invitae Variant Classification Sherloc (09022015). Collection method: clinical testing. Allele origin: germline.
Comment: In summary, this variant is a rare missense change with uncertain impact on protein function. There is no indication that it causes disease, but the available evidence is currently insufficient to prove that conclusively. Therefore, it has been classified as a Variant of Uncertain Significance. Algorithms developed to predict the effect of missense changes on protein structure and function do not agree on the potential impact of this missense change (SIFT: "Deleterious"; PolyPhen-2: "Probably Damaging"; Align-GVGD: "Class C0"). This variant is present in population databases (rs372197260, ExAC 0.009%) but has not been reported in the literature in individuals with a SPAG1-related disease. This sequence change replaces tyrosine with cysteine at codon 245 of the SPAG1 protein (p.Tyr245Cys). The tyrosine residue is moderately conserved and there is a large physicochemical difference between tyrosine and cysteine.